The following is an entry in ClinVar:

ClinVar aggregate classification (germline): Uncertain significance (1 of 4 stars; one submission).

Allele frequency attached by ClinVar (database versions not stated): gnomAD exomes 0.00001.
gnomAD v4.1: 12 of 1,614,188 alleles (0.00074%); highest among the groups gnomAD compares: African/African-American, 0.0013%; no homozygotes.

Submission:

Labcorp Genetics (formerly Invitae), Labcorp
Classification: Uncertain significance. Last evaluated: 2024-01-30. Review status: criteria provided, single submitter. Criteria: Invitae Variant Classification Sherloc (09022015). Collection method: clinical testing. Allele origin: germline.
Comment: This sequence change replaces serine, which is neutral and polar, with asparagine, which is neutral and polar, at codon 713 of the ARID1B protein (p.Ser713Asn). This variant is present in population databases (rs762401544, gnomAD 0.0009%). This variant has not been reported in the literature in individuals affected with ARID1B-related conditions. Advanced modeling of protein sequence and biophysical properties (such as structural, functional, and spatial information, amino acid conservation, physicochemical variation, residue mobility, and thermodynamic stability) has been performed at Invitae for this missense variant, however the output from this modeling did not meet the statistical confidence thresholds required to predict the impact of this variant on ARID1B protein function. In summary, the available evidence is currently insufficient to determine the role of this variant in disease. Therefore, it has been classified as a Variant of Uncertain Significance.

NM_001374828.1(ARID1B):c.2348G>A (p.Ser783Asn)

Gene: ARID1B (AT-rich interaction domain 1B; plus strand). Cytogenetic location: 6q25.3.
Variant type: single nucleotide variant.
Coding change: c.2348G>A on transcript NM_001374828.1 (MANE Select); coding-DNA position 2348, G replaced by A.
Protein change: p.Ser783Asn; replaces serine 783 with asparagine.
Molecular consequence: missense variant. On other transcripts: 5 prime UTR variant (1).
Genome position (GRCh38, 1-based): chr6:157,084,762, G>A. VCF-style: chr6-157084762-G-A. GRCh37 (hg19) VCF-style: chr6-157405896-G-A.
Other names: c.2099G>A, p.Ser700Asn (NM_001346813.1); c.-152G>A (NM_001363725.2); c.2387G>A, p.Ser796Asn (NM_001371656.1, NM_001374820.1); c.2348G>A, p.Ser783Asn (NM_017519.3); c.2138G>A, p.Ser713Asn (NM_020732.3); c.1925G>A, p.Ser642Asn (NM_175863.2); short protein forms S796N, S700N, S783N, S713N, S642N.
Identifiers: ClinVar variation 3013739 (VCV003013739.3), dbSNP rs762401544, ClinGen allele CA150838683.
Genomic context (GRCh38, chr6:157,084,762, plus strand): 5'-AAGCAACTTTGAGCTCAGCAGTCAGTGCATCCGGGTCCACGAGCAGCCAAGGGGATCAGA[G>A]CAACCCGGCGCAGTCGCCTTTCTCCCCACATGCGTCCCCTCATCTCTCCAGCATCCCGGG-3'
Protein context (NP_001361757.1, residues 773-793): SGSTSSQGDQ[Ser783Asn]NPAQSPFSPH